The following is an entry in ClinVar:

NM_000463.3(UGT1A1):c.1525T>G (p.Cys509Gly)

Genes: UGT1A (UDP glucuronosyltransferase family 1 member A complex locus; plus strand), UGT1A1 (UDP glucuronosyltransferase family 1 member A1; plus strand), UGT1A10 (UDP glucuronosyltransferase family 1 member A10; plus strand), UGT1A3 (UDP glucuronosyltransferase family 1 member A3; plus strand), UGT1A4 (UDP glucuronosyltransferase family 1 member A4; plus strand) and 5 more. Cytogenetic location: 2q37.1.
Variant type: single nucleotide variant.
Coding change: c.1525T>G on transcript NM_000463.3 (MANE Select); coding-DNA position 1525, T replaced by G.
Protein change: p.Cys509Gly; replaces cysteine 509 with glycine.
Molecular consequence: missense variant.
Genome position (GRCh38, 1-based): chr2:233,772,482, T>G. VCF-style: chr2-233772482-T-G. GRCh37 (hg19) VCF-style: chr2-234681128-T-G.
Other names: c.1516T>G, p.Cys506Gly (NM_019075.4, NM_019076.5, NM_019077.3 and 1 more transcripts); c.1522T>G, p.Cys508Gly (NM_001072.4); c.721T>G, p.Cys241Gly (NM_205862.3); c.1528T>G, p.Cys510Gly (NM_019078.2, NM_007120.3, NM_019093.4); short protein forms C506G, C508G, C509G, C510G, C241G.
Identifiers: ClinVar variation 2634549 (VCV002634549.2), dbSNP rs780493798, ClinGen allele CA2180152.

ClinVar aggregate classification (germline): Uncertain significance (0 of 4 stars; one submission).

Conditions:
UGT1A1-related disorder. Also called: UGT1A1-related disorders; UGT1A1-related condition.

Allele frequency attached by ClinVar (database versions not stated): ExAC 0.00001; TOPMed 0.00002.
gnomAD v4.1: 8 of 1,614,124 alleles (0.0005%); highest among the groups gnomAD compares: Admixed American, 0.013%; no homozygotes.

Submission:

PreventionGenetics, part of Exact Sciences
Classification: Uncertain significance for UGT1A1-related condition. Last evaluated: 2024-09-13. Review status: no assertion criteria provided. Collection method: clinical testing. Allele origin: germline.
Comment: The UGT1A1 c.1525T>G variant is predicted to result in the amino acid substitution p.Cys509Gly. To our knowledge, this variant has not been reported in the literature. This variant is reported in 0.023% of alleles in individuals of Latino descent in gnomAD. At this time, the clinical significance of this variant is uncertain due to the absence of conclusive functional and genetic evidence.